The following is an entry in ClinVar:

NM_000492.4(CFTR):c.4137-2A>G

Gene: CFTR (CF transmembrane conductance regulator; plus strand). Cytogenetic location: 7q31.2.
Variant type: single nucleotide variant.
Coding change: c.4137-2A>G on transcript NM_000492.4 (MANE Select); the canonical splice acceptor site of the intron before coding-DNA position 4137, A replaced by G.
Molecular consequence: splice acceptor variant.
Genome position (GRCh38, 1-based): chr7:117,665,457, A>G. VCF-style: chr7-117665457-A-G. GRCh37 (hg19) VCF-style: chr7-117305511-A-G.
Other names: c.4137-2A>G (NM_000492.3).
Identifiers: ClinVar variation 3911021 (VCV003911021.2).

ClinVar aggregate classification (germline): Likely pathogenic. Review status: criteria provided, multiple submitters, no conflicts (2 of 4 stars). 2 submissions from 2 submitters: Likely pathogenic (2). Last evaluated 2025-09-05.

Conditions:
CFTR-related disorder (CFTR-RD). Also called: CFTR-related disorders; CFTR-related condition. Identifiers: MedGen C5924204, MONDO:7770004.

gnomAD v4.1: 1 of 1,568,400 alleles (0.000064%); highest among the groups gnomAD compares: Non-Finnish European, 0.000088%; no homozygotes.

Submissions (2):

Natera, Inc.
Classification: Likely pathogenic for CFTR-related disorders. Last evaluated: 2025-09-05. Review status: criteria provided, single submitter. Criteria: Natera Variant Classification Schema (03/2026). Collection method: clinical testing. Allele origin: germline.
Comment: The c.4137-2A>G variant in CFTR is a canonical splice acceptor site variant predicted to affect pre-mRNA splicing, which may result in an abnormal transcript and altered protein product. This variant is expected to result in nonsense mediated decay, truncation, or a dysfunctional protein product. This variant is rare in the general population with a frequency below the threshold expected for the associated phenotype(s). Given the available evidence, this variant is classified as Likely Pathogenic.

Laboratory of Genetics, Children's Clinical University Hospital Latvia
Classification: Likely pathogenic. Last evaluated: 2025-02-16. Review status: criteria provided, single submitter. Criteria: ACMG Guidelines, 2015. Collection method: clinical testing. Allele origin: germline. Affected: yes.